The following is an entry in ClinVar:

ClinVar aggregate classification (germline): Uncertain significance (1 of 4 stars; one submission).

Conditions:
ASXL3-related disorder. Also called: ASXL3-related condition. Identifiers: MedGen CN381524.

gnomAD v4.1: 83 of 1,580,546 alleles (0.0053%); highest among the groups gnomAD compares: Non-Finnish European, 0.0071%; no homozygotes.

Submission:

PreventionGenetics, part of Exact Sciences
Classification: Uncertain significance for ASXL3-related condition. Last evaluated: 2025-02-26. Review status: criteria provided, single submitter. Criteria: ACMG Guidelines, 2015. Collection method: clinical testing. Allele origin: germline.
Comment: The ASXL3 c.164A>C variant is predicted to result in the amino acid substitution p.Asn55Thr. To our knowledge, this variant has not been reported in the literature. This variant is reported in 0.0019% of alleles in individuals of European (Non-Finnish) descent in gnomAD. At this time, the clinical significance of this variant is uncertain due to the absence of conclusive functional and genetic evidence.

NM_030632.3(ASXL3):c.164A>C (p.Asn55Thr)

Gene: ASXL3 (ASXL transcriptional regulator 3; plus strand). Cytogenetic location: 18q12.1.
Variant type: single nucleotide variant.
Coding change: c.164A>C on transcript NM_030632.3 (MANE Select); coding-DNA position 164, A replaced by C.
Protein change: p.Asn55Thr; replaces asparagine 55 with threonine.
Molecular consequence: missense variant.
Genome position (GRCh38, 1-based): chr18:33,644,920, A>C. VCF-style: chr18-33644920-A-C. GRCh37 (hg19) VCF-style: chr18-31224884-A-C.
Other names: short protein forms N55T.
Identifiers: ClinVar variation 4978300 (VCV004978300.1).